The following is an entry in ClinVar:

NM_001378457.1(DMXL2):c.6084T>A (p.Asp2028Glu)

Gene: DMXL2 (Dmx like 2; minus strand). Cytogenetic location: 15q21.2.
Variant type: single nucleotide variant.
Coding change: c.6084T>A on transcript NM_001378457.1 (MANE Select); coding-DNA position 6084, T replaced by A.
Protein change: p.Asp2028Glu; replaces aspartic acid 2028 with glutamic acid.
Molecular consequence: missense variant. On other transcripts: non-coding transcript variant (2).
Genome position (GRCh38, 1-based): chr15:51,481,022, A>T on the plus strand (T>A on the coding strand, the complement: DMXL2 is on the minus strand). VCF-style: chr15-51481022-A-T. GRCh37 (hg19) VCF-style: chr15-51773219-A-T.
Other names: c.6084T>A, p.Asp2028Glu (NM_001174116.3, NM_001378458.1, NM_001378459.1 and 4 more transcripts); c.4176T>A, p.Asp1392Glu (NM_001174117.3); c.4065T>A, p.Asp1355Glu (NM_001378460.1); c.5844T>A, p.Asp1948Glu (NM_001378464.1); short protein forms D1948E, D1355E, D1392E, D2028E.
Identifiers: ClinVar variation 2824836 (VCV002824836.2), dbSNP rs2548447376, ClinGen allele CA392444401.
Genomic context (GRCh38, chr15:51,481,022, plus strand): 5'-TAAACAAGCTCTGAATTTTAGTTGTTCAGCAATCACATCAACTTCAGTATCACCTTCAGG[A>T]TCATCCTCTTCCTGAGGTGTTAATAACATGTTAGGGTCTGAGGCCTTCTGATCTGATTGT-3'
Protein context (NP_001365386.1, residues 2018-2038): NMLLTPQEED[Asp2028Glu]PEGDTEVDVI

ClinVar aggregate classification (germline): Uncertain significance (1 of 4 stars; one submission).

Submission:

Labcorp Genetics (formerly Invitae), Labcorp
Classification: Uncertain significance. Last evaluated: 2022-12-29. Review status: criteria provided, single submitter. Criteria: Invitae Variant Classification Sherloc (09022015). Collection method: clinical testing. Allele origin: germline.
Comment: This variant is not present in population databases (gnomAD no frequency). In summary, the available evidence is currently insufficient to determine the role of this variant in disease. Therefore, it has been classified as a Variant of Uncertain Significance. Algorithms developed to predict the effect of missense changes on protein structure and function (SIFT, PolyPhen-2, Align-GVGD) all suggest that this variant is likely to be tolerated. This variant has not been reported in the literature in individuals affected with DMXL2-related conditions. This sequence change replaces aspartic acid, which is acidic and polar, with glutamic acid, which is acidic and polar, at codon 2028 of the DMXL2 protein (p.Asp2028Glu).